The following is an entry in ClinVar:

ClinVar aggregate classification (germline): Likely benign (0 of 4 stars; one submission).

Conditions:
COMP-related disorder. Also called: COMP-related disorders; COMP-related condition.

Allele frequency attached by ClinVar (database versions not stated): TOPMed 0.00002; gnomAD 0.00003.

Submission:

PreventionGenetics, part of Exact Sciences
Classification: Likely benign for COMP-related condition. Last evaluated: 2019-09-17. Review status: no assertion criteria provided. Collection method: clinical testing. Allele origin: germline.
Comment: This variant is classified as likely benign based on ACMG/AMP sequence variant interpretation guidelines (Richards et al. 2015 PMID: 25741868, with internal and published modifications).

NM_000095.3(COMP):c.1587C>T (p.Thr529=)

Gene: COMP (cartilage oligomeric matrix protein; minus strand). Cytogenetic location: 19p13.11.
Variant type: single nucleotide variant.
Coding change: c.1587C>T on transcript NM_000095.3 (MANE Select); coding-DNA position 1587, C replaced by T.
Protein change: p.Thr529=; no amino-acid change (threonine 529 retained).
Molecular consequence: synonymous variant.
Genome position (GRCh38, 1-based): chr19:18,785,754, G>A on the plus strand (C>T on the coding strand, the complement: COMP is on the minus strand). VCF-style: chr19-18785754-G-A. GRCh37 (hg19) VCF-style: chr19-18896564-G-A.
Identifiers: ClinVar variation 3040220 (VCV003040220.2), dbSNP rs1001694143, ClinGen allele CA306254642.